The following is an entry in ClinVar:

NM_002839.4(PTPRD):c.2941C>G (p.Leu981Val)

Genes: PTPRD (protein tyrosine phosphatase receptor type D; minus strand), LOC126860578 (MED14-independent group 3 enhancer GRCh37_chr9:8485393-8486592; plus strand). Cytogenetic location: 9p24.1.
Variant type: single nucleotide variant.
Coding change: c.2941C>G on transcript NM_002839.4 (MANE Select); coding-DNA position 2941, C replaced by G.
Protein change: p.Leu981Val; replaces leucine 981 with valine.
Molecular consequence: missense variant. On other transcripts: intron variant (7).
Genome position (GRCh38, 1-based): chr9:8,485,876, G>C on the plus strand (C>G on the coding strand, the complement: PTPRD is on the minus strand). VCF-style: chr9-8485876-G-C. GRCh37 (hg19) VCF-style: chr9-8485876-G-C.
Other names: c.2941C>G, p.Leu981Val (NM_001377958.1, NM_001378058.1); c.1793-552C>G (NM_001171025.2); c.1805-552C>G (NM_001377946.1); c.1814-549C>G (NM_001377947.1); c.1823-552C>G (NM_130391.4, NM_130392.3); c.1814-552C>G (NM_001040712.2); c.1805-549C>G (NM_130393.3); short protein forms L981V.
Identifiers: ClinVar variation 2635568 (VCV002635568.1), dbSNP rs368787989, ClinGen allele CA188821773.

ClinVar aggregate classification (germline): Uncertain significance (1 of 4 stars; one submission).

Conditions:
PTPRD-related disorder. Also called: PTPRD-related condition.

Allele frequency attached by ClinVar (database versions not stated): gnomAD exomes below 0.00001; gnomAD 0.00001; TOPMed 0.00002; ESP Exome Variant Server 0.00008.
gnomAD v4.1: 6 of 1,614,070 alleles (0.00037%); highest among the groups gnomAD compares: African/African-American, 0.0053%; no homozygotes.

Submission:

PreventionGenetics, part of Exact Sciences
Classification: Uncertain significance for PTPRD-related condition. Last evaluated: 2022-12-21. Review status: criteria provided, single submitter. Criteria: ACMG Guidelines, 2015. Collection method: clinical testing. Allele origin: germline.
Comment: The PTPRD c.2941C>G variant is predicted to result in the amino acid substitution p.Leu981Val. To our knowledge, this variant has not been reported in the literature or in a large population database, indicating this variant is rare. At this time, the clinical significance of this variant is uncertain due to the absence of conclusive functional and genetic evidence.